The following is an entry in ClinVar:

ClinVar aggregate classification (germline): Benign/Likely benign. Review status: criteria provided, multiple submitters, no conflicts (2 of 4 stars). 4 submissions from 4 submitters: Benign (1); Likely benign (3). Last evaluated 2026-02-01.

Conditions:
X-linked intellectual disability, van Esch type. Also called: Van Esch-O'Driscoll syndrome; MENTAL RETARDATION, X-LINKED, SYNDROMIC, VAN ESCH-O''DRISCOLL TYPE. Identifiers: Orphanet 163976, MedGen C4305072, MONDO:0015601, OMIM 301030.

Allele frequency attached by ClinVar (database versions not stated): 1000 Genomes Project 0.00026; 1000 Genomes Project 30x 0.00042; gnomAD exomes 0.00115; ExAC 0.00149; ESP Exome Variant Server 0.00151.
gnomAD v4.1: 1,522 of 1,193,315 alleles (0.13%); highest among the groups gnomAD compares: Non-Finnish European, 0.15%; 2 homozygotes.

Submissions (4):

Labcorp Genetics (formerly Invitae), Labcorp
Classification: Benign. Last evaluated: 2026-02-01. Review status: criteria provided, single submitter. Criteria: Invitae Variant Classification Sherloc (09022015). Collection method: clinical testing. Allele origin: germline.

Women's Health and Genetics/Laboratory Corporation of America, LabCorp
Classification: Likely benign. Last evaluated: 2025-09-10. Review status: criteria provided, single submitter. Criteria: LabCorp Variant Classification Summary - May 2015. Collection method: clinical testing. Allele origin: germline.
Comment: Variant summary: POLA1 c.2218T>C (p.Tyr740His) results in a conservative amino acid change in the encoded protein sequence. Algorithms developed to predict the effect of missense changes on protein structure and function are either unavailable or do not agree on the potential impact of this missense change. The variant allele was found at a frequency of 0.0012 in 182888 control chromosomes, predominantly at a frequency of 0.0019 within the Non-Finnish European subpopulation in the gnomAD database. The observed variant frequency within Non-Finnish European control individuals in the gnomAD database exceeds the estimated maximal expected allele frequency for disease-causing variants in POLA1. To our knowledge, no occurrence of c.2218T>C in individuals affected with POLA1-related conditions and no experimental evidence demonstrating its impact on protein function have been reported. ClinVar contains an entry for this variant (Variation ID: 1166581). Based on the evidence outlined above, the variant was classified as likely benign.

Blueprint Genetics
Classification: Likely benign. Last evaluated: 2024-11-27. Review status: criteria provided, single submitter. Criteria: ACMG Guidelines, 2015. Collection method: clinical testing. Allele origin: germline.

Victorian Clinical Genetics Services, Murdoch Childrens Research Institute
Classification: Likely benign for X-linked intellectual disability, van Esch type. Last evaluated: 2023-07-17. Review status: criteria provided, single submitter. Criteria: ACMG Guidelines, 2015. Collection method: clinical testing. Allele origin: germline. Inheritance: X-linked recessive inheritance.
Comment: Based on the classification scheme VCGS_Germline_v1.3.4, this variant is classified as likely benign. Following criteria are met: 0308 - Population frequency for this variant is out of keeping with known incidence of Van Esch-O'Driscoll syndrome (MIM#301030), with 84 hemizygotes in gnomAD v2. (SB) Legend: (SP) - Supporting pathogenic, (I) - Information, (SB) - Supporting benign

NM_001330360.2(POLA1):c.2236T>C (p.Tyr746His)

Gene: POLA1 (DNA polymerase alpha 1, catalytic subunit; plus strand). Cytogenetic location: Xp22.11.
Variant type: single nucleotide variant.
Coding change: c.2236T>C on transcript NM_001330360.2 (MANE Select); coding-DNA position 2236, T replaced by C.
Protein change: p.Tyr746His; replaces tyrosine 746 with histidine.
Molecular consequence: missense variant. On other transcripts: non-coding transcript variant (2).
Genome position (GRCh38, 1-based): chrX:24,741,394, T>C. VCF-style: chrX-24741394-T-C. GRCh37 (hg19) VCF-style: chrX-24759511-T-C.
Other names: c.2236T>C (NM_001330360.1); c.2161T>C, p.Tyr721His (NM_001378303.1); c.2218T>C, p.Tyr740His (NM_016937.4); short protein forms Y721H, Y740H, Y746H.
Identifiers: ClinVar variation 1166581 (VCV001166581.13), dbSNP rs2230927, ClinGen allele CA10373132.